The following is an entry in ClinVar:

NM_019032.6(ADAMTSL4):c.2501_2502del (p.Glu834fs)

Gene: ADAMTSL4 (ADAMTS like 4; plus strand). Cytogenetic location: 1q21.2.
Variant type: Microsatellite.
Coding change: c.2501_2502del on transcript NM_019032.6 (MANE Select); coding-DNA positions 2501 to 2502, 2 bases deleted (AG; older notation c.2501_2502delAG).
Protein change: p.Glu834fs; shifts the reading frame from glutamic acid 834.
Molecular consequence: frameshift variant.
Genome position (GRCh38, 1-based): chr1:150,558,591-150,558,592, AG deleted; deleting any 2 consecutive bases within chr1:150,558,587-150,558,592 gives the same sequence; the c. name uses the placement nearest the transcript's 3' end. VCF-style (leftmost placement, unchanged base first): chr1-150558586-CAG-C. GRCh37 (hg19) VCF-style: chr1-150531062-CAG-C.
Other names: c.2384_2385del, p.Glu795fs (NM_001288607.2); c.2570_2571del, p.Glu857fs (NM_001288608.2); c.2501_2502del, p.Glu834fs (NM_001378596.1, NM_025008.5); short protein forms E834fs, E857fs, E795fs.
Identifiers: ClinVar variation 2807448 (VCV002807448.3), dbSNP rs2526770279, ClinGen allele CA2647816951.

ClinVar aggregate classification (germline): Pathogenic (1 of 4 stars; one submission).

Submission:

Labcorp Genetics (formerly Invitae), Labcorp
Classification: Pathogenic. Last evaluated: 2023-12-16. Review status: criteria provided, single submitter. Criteria: Invitae Variant Classification Sherloc (09022015). Collection method: clinical testing. Allele origin: germline.
Comment: This sequence change creates a premature translational stop signal (p.Glu834Glyfs*3) in the ADAMTSL4 gene. It is expected to result in an absent or disrupted protein product. Loss-of-function variants in ADAMTSL4 are known to be pathogenic (PMID: 20564469, 28642162). This variant is not present in population databases (gnomAD no frequency). This variant has not been reported in the literature in individuals affected with ADAMTSL4-related conditions. For these reasons, this variant has been classified as Pathogenic.

Literature cited by the submitters: PubMed 20564469; PubMed 28642162.